The following is an entry in ClinVar:

ClinVar aggregate classification (germline): Conflicting classifications of pathogenicity. Review status: criteria provided, conflicting classifications (1 of 4 stars). 11 submissions from 9 submitters: Uncertain significance (1); Benign (5); Likely benign (3). 2 of the submissions do not count toward it. Last evaluated 2026-02-01.

Conditions:
Osteogenesis imperfecta (OI). Identifiers: Orphanet 666, MedGen C0029434, MeSH D010013, MONDO:0019019.
Infantile cortical hyperostosis. Also called: Caffey Disease; P1PK BLOOD GROUP SYSTEM, P(2) PHENOTYPE; Hyperostosis, Cortical, Congenital. Identifiers: Orphanet 1310, MedGen C0020497, MONDO:0007244, OMIM 114000.
Osteogenesis imperfecta type I (OI1). Also called: OI, TYPE I; OSTEOGENESIS IMPERFECTA TARDA; OSTEOGENESIS IMPERFECTA WITH BLUE SCLERAE; Lobstein disease; Lobstein's Disease; Classic Non-deforming Osteogenesis Imperfecta with Blue Sclerae. Identifiers: Orphanet 216796, Orphanet 666, MedGen C0023931, MONDO:0008146, OMIM 166200. Disease mechanism: loss of function.
Ehlers-Danlos syndrome, arthrochalasia type. Also called: ARTHROCHALASIS MULTIPLEX CONGENITA; EDS VII, MUTANT PROCOLLAGEN TYPE; EDS VIIA; Ehlers-Danlos syndrome, arthrochalasis type; Ehlers-Danlos syndrome, arthrochalasia type, 1. Identifiers: Orphanet 1899, Orphanet 99875, Orphanet 99876, MedGen C4551623, MONDO:0007525, OMIM 130060.

Allele frequency attached by ClinVar (database versions not stated): 1000 Genomes Project 0.00020; 1000 Genomes Project 30x 0.00031; gnomAD exomes 0.00053; gnomAD 0.00058 and 0.00061; ExAC 0.00070; TOPMed 0.00072; ESP Exome Variant Server 0.00078.
gnomAD v4.1: 1,249 of 1,562,706 alleles (0.08%); highest among the groups gnomAD compares: Admixed American, 0.099%; 2 homozygotes.

Submissions (11):

Labcorp Genetics (formerly Invitae), Labcorp
Classification: Benign for Osteogenesis imperfecta type I. Last evaluated: 2026-02-01. Review status: criteria provided, single submitter. Criteria: Invitae Variant Classification Sherloc (09022015). Collection method: clinical testing. Allele origin: germline.

Women's Health and Genetics/Laboratory Corporation of America, LabCorp
Classification: Benign. Last evaluated: 2025-01-07. Review status: criteria provided, single submitter. Criteria: LabCorp Variant Classification Summary - May 2015. Collection method: clinical testing. Allele origin: germline.
Comment: Variant summary: COL1A1 c.1461+13G>T alters a nucleotide located at a position not widely known to affect splicing. Consensus agreement among computation tools predict no significant impact on normal splicing (TrAP). However, these predictions have yet to be confirmed by functional studies. The variant allele was found at a frequency of 0.00053 in 173060 control chromosomes. The observed variant frequency is approximately 18.7 fold of the estimated maximal expected allele frequency for a pathogenic variant in COL1A1 causing Osteogenesis Imperfecta phenotype (2.8e-05). To our knowledge, no occurrence of c.1461+13G>T in individuals affected with Osteogenesis Imperfecta and no experimental evidence demonstrating its impact on protein function have been reported. ClinVar contains an entry for this variant (Variation ID: 509588). Based on the evidence outlined above, the variant was classified as benign.

Blueprint Genetics
Classification: Likely benign. Last evaluated: 2024-11-26. Review status: criteria provided, single submitter. Criteria: ACMG Guidelines, 2015. Collection method: clinical testing. Allele origin: germline.

ARUP Laboratories, Molecular Genetics and Genomics, ARUP Laboratories
Classification: Likely benign. Last evaluated: 2024-03-27. Review status: criteria provided, single submitter. Criteria: ARUP Molecular Germline Variant Investigation Process 2024. Collection method: clinical testing. Allele origin: germline.

Athena Diagnostics
Classification: Benign. Last evaluated: 2021-04-27. Review status: criteria provided, single submitter. Criteria: Athena Diagnostics criteria. Collection method: clinical testing. Allele origin: unknown.

GeneDx
Classification: Likely benign. Last evaluated: 2018-01-22. Review status: criteria provided, single submitter. Criteria: GeneDx Variant Classification (06012015). Collection method: clinical testing. Allele origin: germline. Affected: yes.
Comment: This variant is considered likely benign or benign based on one or more of the following criteria: it is a conservative change, it occurs at a poorly conserved position in the protein, it is predicted to be benign by multiple in silico algorithms, and/or has population frequency not consistent with disease.

Illumina Laboratory Services, Illumina
Classification: Benign for Ehlers-Danlos syndrome, arthrochalasia type. Last evaluated: 2017-04-27. Review status: criteria provided, single submitter. Criteria: ICSL Variant Classification Criteria 13 December 2019. Collection method: clinical testing. Allele origin: germline.
Comment: This variant was observed as part of a predisposition screen in an ostensibly healthy population. A literature search was performed for the gene, cDNA change, and amino acid change (where applicable). No publications were found based on this search. Allele frequency data from public databases was too high to be consistent with this variant causing disease. Therefore, this variant is classified as benign.

Illumina Laboratory Services, Illumina
Classification: Uncertain significance for Infantile cortical hyperostosis. Last evaluated: 2017-04-27. Review status: criteria provided, single submitter. Criteria: ICSL Variant Classification Criteria 13 December 2019. Collection method: clinical testing. Allele origin: germline.

Illumina Laboratory Services, Illumina
Classification: Benign for Osteogenesis imperfecta. Last evaluated: 2017-04-27. Review status: criteria provided, single submitter. Criteria: ICSL Variant Classification Criteria 13 December 2019. Collection method: clinical testing. Allele origin: germline.
Comment: the same text as in the submission from Illumina Laboratory Services, Illumina above.

Genome Diagnostics Laboratory, Amsterdam University Medical Center
Classification: Benign. Review status: no assertion criteria provided. Collection method: clinical testing. Allele origin: germline. Affected: yes. Study: VKGL Data-share Consensus. Not counted in ClinVar's aggregate classification.

Genome Diagnostics Laboratory, University Medical Center Utrecht
Classification: Likely benign. Review status: no assertion criteria provided. Collection method: clinical testing. Allele origin: germline. Affected: yes. Study: VKGL Data-share Consensus. Not counted in ClinVar's aggregate classification.

NM_000088.4(COL1A1):c.1461+13G>T

Gene: COL1A1 (collagen type I alpha 1 chain; minus strand). Cytogenetic location: 17q21.33.
Variant type: single nucleotide variant.
Coding change: c.1461+13G>T on transcript NM_000088.4 (MANE Select); 13 bases into the intron after coding-DNA position 1461, G replaced by T.
Molecular consequence: intron variant.
Genome position (GRCh38, 1-based): chr17:50,194,708, C>A on the plus strand (G>T on the coding strand, the complement: COL1A1 is on the minus strand). VCF-style: chr17-50194708-C-A. GRCh37 (hg19) VCF-style: chr17-48272069-C-A.
Identifiers: ClinVar variation 509588 (VCV000509588.26), dbSNP rs371161009, ClinGen allele CA8645249.
Genomic context (GRCh38, chr17:50,194,708, plus strand): 5'-GTGAACTCCGCGACACACAGGCACCAGCCAGGCAATGAGGGTGGAGCGGGAGGGGGCGGG[C>A]AGGGACACTTACACGCTCGCCAGGGGGTCCGGGCAGGCCAGTGGGTCCGGGTTCACCTCG-3'